The following is an entry in ClinVar:

ClinVar aggregate classification (germline): Uncertain significance (1 of 4 stars; one submission).

Allele frequency attached by ClinVar (database versions not stated): TOPMed below 0.00001; gnomAD 0.00001.
gnomAD v4.1: 1 of 1,613,986 alleles (0.000062%); highest among the groups gnomAD compares: African/African-American, 0.0013%; no homozygotes.

Submission:

Labcorp Genetics (formerly Invitae), Labcorp
Classification: Uncertain significance. Last evaluated: 2023-07-09. Review status: criteria provided, single submitter. Criteria: Invitae Variant Classification Sherloc (09022015). Collection method: clinical testing. Allele origin: germline.
Comment: This variant has not been reported in the literature in individuals affected with NTRK2-related conditions. This sequence change replaces serine, which is neutral and polar, with proline, which is neutral and non-polar, at codon 493 of the NTRK2 protein (p.Ser493Pro). This variant is not present in population databases (gnomAD no frequency). Advanced modeling of protein sequence and biophysical properties (such as structural, functional, and spatial information, amino acid conservation, physicochemical variation, residue mobility, and thermodynamic stability) performed at Invitae indicates that this missense variant is not expected to disrupt NTRK2 protein function. In summary, the available evidence is currently insufficient to determine the role of this variant in disease. Therefore, it has been classified as a Variant of Uncertain Significance.

NM_006180.6(NTRK2):c.1477T>C (p.Ser493Pro)

Gene: NTRK2 (neurotrophic receptor tyrosine kinase 2; plus strand). Cytogenetic location: 9q21.33.
Variant type: single nucleotide variant.
Coding change: c.1477T>C on transcript NM_006180.6 (MANE Select); coding-DNA position 1477, T replaced by C.
Protein change: p.Ser493Pro; replaces serine 493 with proline.
Molecular consequence: missense variant.
Genome position (GRCh38, 1-based): chr9:84,867,275, T>C. VCF-style: chr9-84867275-T-C. GRCh37 (hg19) VCF-style: chr9-87482190-T-C.
Other names: c.1429T>C, p.Ser477Pro (NM_001018064.3, NM_001018066.3, NM_001369532.1 and 2 more transcripts); c.1477T>C, p.Ser493Pro (NM_001018065.2, NM_001369537.1, NM_001381928.1); c.1393T>C, p.Ser465Pro (NM_001369534.1); c.961T>C, p.Ser321Pro (NM_001369535.1); c.1009T>C, p.Ser337Pro (NM_001369536.1); short protein forms S321P, S493P, S337P, S465P, S477P.
Identifiers: ClinVar variation 2816984 (VCV002816984.3), dbSNP rs1011244815, ClinGen allele CA195792414.